The following is an entry in ClinVar:

NM_001374385.1(ATP8B1):c.213dup (p.Lys72fs)

Gene: ATP8B1 (ATPase phospholipid transporting 8B1; minus strand). Cytogenetic location: 18q21.31.
Variant type: Duplication.
Coding change: c.213dup on transcript NM_001374385.1 (MANE Select); coding-DNA position 213, one base duplicated (C; older notation c.213dupC).
Protein change: p.Lys72fs; shifts the reading frame from lysine 72.
Molecular consequence: frameshift variant. On other transcripts: intron variant (1).
Genome position (GRCh38, 1-based): chr18:57,706,556, G duplicated on the plus strand (C on the coding strand, the reverse complement: ATP8B1 is on the minus strand). VCF-style (leftmost placement, unchanged base first): chr18-57706555-T-TG. GRCh37 (hg19) VCF-style: chr18-55373787-T-TG.
Other names: c.213dup, p.Lys72fs (NM_005603.6); c.130-1888dup (NM_001374386.1); short protein forms K72fs.
Identifiers: ClinVar variation 1687217 (VCV001687217.1), dbSNP rs1913405478, ClinGen allele CA990690558.

ClinVar aggregate classification (germline): Pathogenic (1 of 4 stars; one submission).

Conditions:
Progressive familial intrahepatic cholestasis type 1. Also called: BYLER DISEASE; Byler's disease; Severe ATP8B1 Deficiency (Progressive Familial Intrahepatic Cholestasis Type 1 [PFIC1]). Identifiers: Orphanet 79306, MedGen C4551898, MONDO:0008892, OMIM 211600.

Allele frequency attached by ClinVar (database versions not stated): gnomAD exomes below 0.00001; gnomAD 0.00001.

Submission:

3billion
Classification: Pathogenic for Progressive familial intrahepatic cholestasis type 1. Last evaluated: 2022-05-22. Review status: criteria provided, single submitter. Criteria: ACMG Guidelines, 2015. Collection method: clinical testing. Allele origin: germline. Affected: yes. Observed: 1 homozygote.
Comment: The variant is not observed in the gnomAD v2.1.1 dataset. Frameshift: predicted to result in a loss or disruption of normal protein function through nonsense-mediated decay (NMD) or protein truncation. Multiple pathogenic variants are reported downstream of the variant. Therefore, this variant is classified as pathogenic according to the recommendation of ACMG/AMP guideline.